The following is an entry in ClinVar:

NM_004629.2(FANCG):c.1A>G (p.Met1Val)

Gene: FANCG (FA complementation group G; minus strand). Cytogenetic location: 9p13.3.
Variant type: single nucleotide variant.
Coding change: c.1A>G on transcript NM_004629.2 (MANE Select); coding-DNA position 1, A replaced by G.
Protein change: p.Met1Val; changes the start codon (methionine 1).
Molecular consequence: missense variant, initiator codon variant.
Genome position (GRCh38, 1-based): chr9:35,079,524, T>C on the plus strand (A>G on the coding strand, the complement: FANCG is on the minus strand). VCF-style: chr9-35079524-T-C. GRCh37 (hg19) VCF-style: chr9-35079521-T-C.
Other names: short protein forms M1V.
Identifiers: ClinVar variation 4815369 (VCV004815369.1).

ClinVar aggregate classification (germline): Likely pathogenic (1 of 4 stars; one submission).

Conditions:
Fanconi anemia complementation group G. Also called: FANCG-Related Fanconi Anemia; Fanconi anemia group G. Identifiers: Orphanet 84, MedGen C3469527, MONDO:0013565, OMIM 614082.

Submission:

Natera, Inc.
Classification: Likely pathogenic for Fanconi anemia group G. Last evaluated: 2024-08-04. Review status: criteria provided, single submitter. Criteria: Natera Variant Classification Schema (03/2026). Collection method: clinical testing. Allele origin: germline.
Comment: The c.1A>G variant in FANCG is predicted to result in start loss due to disruption of the initiator methionine. This variant is expected to result in nonsense mediated decay, truncation, or a dysfunctional protein product. This variant is rare in the general population with a frequency below the threshold expected for the associated phenotype(s). Given the available evidence, this variant is classified as Likely Pathogenic.